The following is an entry in ClinVar:

ClinVar aggregate classification (germline): Uncertain significance (1 of 4 stars; one submission).

Submission:

Labcorp Genetics (formerly Invitae), Labcorp
Classification: Uncertain significance. Last evaluated: 2020-06-13. Review status: criteria provided, single submitter. Criteria: Invitae Variant Classification Sherloc (09022015). Collection method: clinical testing. Allele origin: germline.
Comment: This variant results in a copy number gain of the genomic region encompassing the full coding sequence of the PRDM13 gene. The boundaries of this event are unknown as they extend beyond the assayed region for this gene and therefore may encompass additional genes. As the precise location of this event is unknown, it may be in tandem or it may be located elsewhere in the genome. A tandem duplication of PRDM13 has been observed to segregate with autosomal dominant North Carolina macular dystrophy in a large family (PMID: 26507665); however, the current clinical and genetic evidence is not sufficient to establish whether variants in PRDM13 cause macular dystrophy. In summary, the available evidence is currently insufficient to determine the role of this variant in disease. Therefore, it has been classified as a Variant of Uncertain Significance.

Literature cited by the submitters: PubMed 26507665.

NC_000006.11:g.(?_100054911)_(100062635_?)dup

Gene: PRDM13 (PR/SET domain 13; plus strand). Cytogenetic location: 6q16.2.
Variant type: Duplication.
Identifiers: ClinVar variation 1056317 (VCV001056317.1).